The following is an entry in ClinVar:

ClinVar aggregate classification (germline): not provided (0 of 4 stars; one submission).

Allele frequency attached by ClinVar (database versions not stated): 1000 Genomes Project 0.00639; 1000 Genomes Project 30x 0.00703; TOPMed 0.00895; gnomAD 0.01023 and 0.01040.
gnomAD v4.1: 1,571 of 151,934 alleles (1%); highest among the groups gnomAD compares: South Asian, 1.7%; 10 homozygotes.

Submission:

Human Evolutionary Genetics, Institut Pasteur
No classification provided. Review status: no classification provided. Collection method: not provided. Allele origin: germline.
ClinVar note: Converted during submission from untested to not provided.

NM_017852.5(NLRP2):c.2202-194G>A

Gene: NLRP2 (NLR family pyrin domain containing 2; plus strand). Cytogenetic location: 19q13.42.
Variant type: single nucleotide variant.
Coding change: c.2202-194G>A on transcript NM_017852.5 (MANE Select); 194 bases into the intron before coding-DNA position 2202, G replaced by A.
Molecular consequence: intron variant.
Genome position (GRCh38, 1-based): chr19:54,985,957, G>A. VCF-style: chr19-54985957-G-A. GRCh37 (hg19) VCF-style: chr19-55497325-G-A.
Other names: c.2202-194G>A (NM_001174081.3); c.2193-194G>A (NM_001348003.2); c.2136-194G>A (NM_001174082.3); c.2133-194G>A (NM_001174083.2).
Identifiers: ClinVar variation 103056 (VCV000103056.2), dbSNP rs199475723, ClinGen allele CA230040.